The following is an entry in ClinVar:

NM_000088.4(COL1A1):c.334-9A>G

Gene: COL1A1 (collagen type I alpha 1 chain; minus strand). Cytogenetic location: 17q21.33.
Variant type: single nucleotide variant.
Coding change: c.334-9A>G on transcript NM_000088.4 (MANE Select); 9 bases into the intron before coding-DNA position 334, A replaced by G.
Molecular consequence: intron variant.
Genome position (GRCh38, 1-based): chr17:50,199,462, T>C on the plus strand (A>G on the coding strand, the complement: COL1A1 is on the minus strand). VCF-style: chr17-50199462-T-C. GRCh37 (hg19) VCF-style: chr17-48276823-T-C.
Identifiers: ClinVar variation 569955 (VCV000569955.22), dbSNP rs1567764387, ClinGen allele CA891843718.

ClinVar aggregate classification (germline): Pathogenic/Likely pathogenic. Review status: criteria provided, multiple submitters, no conflicts (2 of 4 stars). 7 submissions from 7 submitters: Pathogenic (4); Likely pathogenic (3). Last evaluated 2025-12-02.

Conditions:
Osteogenesis imperfecta type I (OI1). Also called: Lobstein's Disease; Classic Non-deforming Osteogenesis Imperfecta with Blue Sclerae; Lobstein disease; OI, TYPE I; OSTEOGENESIS IMPERFECTA TARDA; OSTEOGENESIS IMPERFECTA WITH BLUE SCLERAE. Identifiers: Orphanet 216796, Orphanet 666, MedGen C0023931, MONDO:0008146, OMIM 166200. Disease mechanism: loss of function.
Osteogenesis imperfecta (OI). Identifiers: Orphanet 666, MedGen C0029434, MeSH D010013, MONDO:0019019.
COL1A1-related disorder. Also called: COL1A1- related disease; COL1A1-related condition.

Submissions (7):

Labcorp Genetics (formerly Invitae), Labcorp
Classification: Pathogenic for Osteogenesis imperfecta type I. Last evaluated: 2025-12-02. Review status: criteria provided, single submitter. Criteria: Invitae Variant Classification Sherloc (09022015). Collection method: clinical testing. Allele origin: germline.
Comment: This sequence change falls in intron 3 of the COL1A1 gene. It does not directly change the encoded amino acid sequence of the COL1A1 protein. This variant is not present in population databases (gnomAD no frequency). This variant has been observed in individuals with osteogenesis imperfecta (PMID: 22206639, 25963598, 27509835). ClinVar contains an entry for this variant (Variation ID: 569955). Algorithms developed to predict the effect of sequence changes on RNA splicing suggest that this variant may disrupt the consensus splice site. For these reasons, this variant has been classified as Pathogenic.

Victorian Clinical Genetics Services, Murdoch Childrens Research Institute
Classification: Pathogenic for Osteogenesis imperfecta type I. Last evaluated: 2025-07-30. Review status: criteria provided, single submitter. Criteria: ACMG Guidelines, 2015. Collection method: clinical testing. Allele origin: germline. Affected: yes.
Comment: This variant is classified as Pathogenic. Evidence in support of pathogenic classification: Variant is absent from gnomAD (v2, v3 and v4); This variant has strong previous evidence of pathogenicity in unrelated individuals. This variant has been classified as likely pathogenic and pathogenic in ClinVar. This variant has also been reported in multiple unrelated heterozygous individuals with OI type I (PMID: 33475155, 37293821, 32123938, 31363794, 25963598); Additional information: Non-coding variant without known or predicted effect; This variant is heterozygous; This gene is associated with autosomal dominant disease; Dominant negative and loss of function are known mechanisms of disease in this gene and are associated with osteogenesis imperfecta (OI) types I-IV, and other conditions (OMIM). Variants resulting in a truncated protein are known to have a loss of function effect on protein, while missense variants affecting the G-X-Y of a triple helix motif have a dominant negative effect (PMID: 27509835, 12362985); Variants in this gene are known to have variable expressivity (PMID: 20301472).

Women's Health and Genetics/Laboratory Corporation of America, LabCorp
Classification: Pathogenic for Osteogenesis imperfecta. Last evaluated: 2024-11-26. Review status: criteria provided, single submitter. Criteria: LabCorp Variant Classification Summary - May 2015. Collection method: clinical testing. Allele origin: germline.
Comment: Variant summary: COL1A1 c.334-9A>G alters a non-conserved nucleotide located at a position not widely known to affect splicing. Several computational tools predict a significant impact on normal splicing: Four predict the variant creates a cryptic 3' acceptor site. Two predict the variant abolishes the canonical 3' acceptor site. One predict the variant weakens the canonical 3' acceptor site. At least one publication reports experimental evidence that this variant affects mRNA splicing (Ludwig_2023). The variant was absent in 251100 control chromosomes. c.334-9A>G has been reported in the literature in multiple individuals affected with Osteogenesis Imperfecta (example, Higuchi_2021, Lin_2024, Schleit_2015). These data indicate that the variant is very likely to be associated with disease. The following publications have been ascertained in the context of this evaluation (PMID: 33939306, 37270749, 37293821, 25963598). ClinVar contains an entry for this variant (Variation ID: 569955). Based on the evidence outlined above, the variant was classified as pathogenic.

Blueprint Genetics
Classification: Pathogenic for COL1A1-related disorders. Last evaluated: 2023-05-12. Review status: criteria provided, single submitter. Criteria: ACMG Guidelines, 2015. Collection method: clinical testing. Allele origin: germline. Affected: yes. Observed: 4 variant alleles.

GeneDx
Classification: Likely pathogenic. Last evaluated: 2022-06-03. Review status: criteria provided, single submitter. Criteria: GeneDx Variant Classification Process June 2021. Collection method: clinical testing. Allele origin: germline. Affected: yes.
Comment: Not observed in large population cohorts (gnomAD); In silico analysis supports a deleterious effect on splicing; This variant is associated with the following publications: (PMID: 27509835, 25963598, 26627451, 22206639, 32123938, 33939306)

Genome Diagnostics Laboratory, The Hospital for Sick Children
Classification: Likely pathogenic for Osteogenesis imperfecta. Last evaluated: 2022-03-07. Review status: criteria provided, single submitter. Criteria: ACMG Guidelines, 2015. Collection method: clinical testing. Allele origin: germline.

Clinical Genetics Service, Universitary Hospital 12 de Octubre
Classification: Likely pathogenic for Osteogenesis imperfecta type I. Review status: criteria provided, single submitter. Criteria: ACMG Guidelines, 2015. Collection method: clinical testing. Allele origin: germline. Affected: yes.

Literature cited by the submitters: PubMed 22206639 (cited by Labcorp Genetics (formerly Invitae), Labcorp); PubMed 25963598 (cited by 3 submitters); PubMed 27509835 (cited by Labcorp Genetics (formerly Invitae), Labcorp and Victorian Clinical Genetics Services, Murdoch Childrens Research Institute); PubMed 12362985 (cited by Victorian Clinical Genetics Services, Murdoch Childrens Research Institute); PubMed 31363794 (cited by Victorian Clinical Genetics Services, Murdoch Childrens Research Institute); PubMed 33475155 (cited by Victorian Clinical Genetics Services, Murdoch Childrens Research Institute); PubMed 37293821 (cited by Victorian Clinical Genetics Services, Murdoch Childrens Research Institute and Women's Health and Genetics/Laboratory Corporation of America, LabCorp); PubMed 20301472 (cited by Victorian Clinical Genetics Services, Murdoch Childrens Research Institute); PubMed 32123938 (cited by Victorian Clinical Genetics Services, Murdoch Childrens Research Institute); PubMed 37270749 (cited by Women's Health and Genetics/Laboratory Corporation of America, LabCorp); PubMed 33939306 (cited by Women's Health and Genetics/Laboratory Corporation of America, LabCorp).